The following is an entry in ClinVar:

ClinVar aggregate classification (germline): Pathogenic. Review status: criteria provided, multiple submitters, no conflicts (2 of 4 stars). 2 submissions from 2 submitters: Pathogenic (2). Last evaluated 2023-07-13.

Conditions:
Autosomal recessive osteopetrosis 1. Also called: ALBERS-SCHONBERG DISEASE, AUTOSOMAL RECESSIVE; TCIRG1-Related Autosomal Recessive Osteopetrosis; TCIRG1-Related Osteopetrosis. Identifiers: Orphanet 667, MedGen C1850127, MONDO:0009815, OMIM 259700.

Submissions (2):

Baylor Genetics
Classification: Pathogenic for Autosomal recessive osteopetrosis 1. Last evaluated: 2023-07-13. Review status: criteria provided, single submitter. Criteria: ACMG Guidelines, 2015. Collection method: clinical testing. Allele origin: unknown.

Labcorp Genetics (formerly Invitae), Labcorp
Classification: Pathogenic. Last evaluated: 2023-06-02. Review status: criteria provided, single submitter. Criteria: Invitae Variant Classification Sherloc (09022015). Collection method: clinical testing. Allele origin: germline.
Comment: For these reasons, this variant has been classified as Pathogenic. This premature translational stop signal has been observed in individual(s) with clinical features of osteopetrosis (PMID: 24108692). This variant is not present in population databases (gnomAD no frequency). This sequence change creates a premature translational stop signal (p.Trp216*) in the TCIRG1 gene. It is expected to result in an absent or disrupted protein product. Loss-of-function variants in TCIRG1 are known to be pathogenic (PMID: 10888887, 10942435, 11532986, 19448635).

Literature cited by the submitters: PubMed 24108692 (cited by Labcorp Genetics (formerly Invitae), Labcorp); PubMed 10888887 (cited by Labcorp Genetics (formerly Invitae), Labcorp); PubMed 10942435 (cited by Labcorp Genetics (formerly Invitae), Labcorp); PubMed 11532986 (cited by Labcorp Genetics (formerly Invitae), Labcorp); PubMed 19448635 (cited by Labcorp Genetics (formerly Invitae), Labcorp).

NM_006019.4(TCIRG1):c.647G>A (p.Trp216Ter)

Gene: TCIRG1 (T cell immune regulator 1, ATPase H+ transporting V0 subunit a3; plus strand). Cytogenetic location: 11q13.2.
Variant type: single nucleotide variant.
Coding change: c.647G>A on transcript NM_006019.4 (MANE Select); coding-DNA position 647, G replaced by A.
Protein change: p.Trp216Ter; replaces tryptophan 216 with a stop codon.
Molecular consequence: nonsense. On other transcripts: 5 prime UTR variant (2).
Genome position (GRCh38, 1-based): chr11:68,043,587, G>A. VCF-style: chr11-68043587-G-A. GRCh37 (hg19) VCF-style: chr11-67811054-G-A.
Other names: c.-264G>A (NM_001351059.2); c.-2G>A (NM_006053.4); short protein forms W216*.
Identifiers: ClinVar variation 2679114 (VCV002679114.4), dbSNP rs2495621829, ClinGen allele CA381578463.